The following is an entry in ClinVar:

NM_003480.4(MFAP5):c.252C>G (p.Cys84Trp)

Gene: MFAP5 (microfibril associated protein 5; minus strand). Cytogenetic location: 12p13.31.
Variant type: single nucleotide variant.
Coding change: c.252C>G on transcript NM_003480.4 (MANE Select); coding-DNA position 252, C replaced by G.
Protein change: p.Cys84Trp; replaces cysteine 84 with tryptophan.
Molecular consequence: missense variant. On other transcripts: non-coding transcript variant (2), intron variant (1).
Genome position (GRCh38, 1-based): chr12:8,650,585, G>C on the plus strand (C>G on the coding strand, the complement: MFAP5 is on the minus strand). VCF-style: chr12-8650585-G-C. GRCh37 (hg19) VCF-style: chr12-8803181-G-C.
Other names: c.222C>G, p.Cys74Trp (NM_001297709.2); c.186C>G, p.Cys62Trp (NM_001297710.2); c.177C>G, p.Cys59Trp (NM_001297711.2); c.218-2382C>G (NM_001297712.2); short protein forms C74W, C59W, C62W, C84W.
Identifiers: ClinVar variation 2780244 (VCV002780244.4), dbSNP rs776413783, ClinGen allele CA6434652.

ClinVar aggregate classification (germline): Uncertain significance. Review status: criteria provided, multiple submitters, no conflicts (2 of 4 stars). 2 submissions from 2 submitters: Uncertain significance (2). Last evaluated 2024-02-26.

Allele frequency attached by ClinVar (database versions not stated): gnomAD exomes 0.00001; ExAC 0.00005.

Submissions (2):

Clinical Genetics Laboratory, Skane University Hospital Lund
Classification: Uncertain significance. Last evaluated: 2024-02-26. Review status: criteria provided, single submitter. Criteria: ACMG Guidelines, 2015. Collection method: clinical testing. Allele origin: germline. Affected: yes.

Labcorp Genetics (formerly Invitae), Labcorp
Classification: Uncertain significance. Last evaluated: 2023-11-01. Review status: criteria provided, single submitter. Criteria: Invitae Variant Classification Sherloc (09022015). Collection method: clinical testing. Allele origin: germline.
Comment: This sequence change replaces cysteine, which is neutral and slightly polar, with tryptophan, which is neutral and slightly polar, at codon 84 of the MFAP5 protein (p.Cys84Trp). This variant is present in population databases (rs776413783, gnomAD 0.005%). This variant has not been reported in the literature in individuals affected with MFAP5-related conditions. An algorithm developed to predict the effect of missense changes on protein structure and function (PolyPhen-2) suggests that this variant is likely to be disruptive. In summary, the available evidence is currently insufficient to determine the role of this variant in disease. Therefore, it has been classified as a Variant of Uncertain Significance.